The following is an entry in ClinVar:

NM_014629.4(ARHGEF10):c.968A>G (p.Lys323Arg)

Gene: ARHGEF10 (Rho guanine nucleotide exchange factor 10; plus strand). Cytogenetic location: 8p23.3.
Variant type: single nucleotide variant.
Coding change: c.968A>G on transcript NM_014629.4 (MANE Select); coding-DNA position 968, A replaced by G.
Protein change: p.Lys323Arg; replaces lysine 323 with arginine.
Molecular consequence: missense variant.
Genome position (GRCh38, 1-based): chr8:1,882,642, A>G. VCF-style: chr8-1882642-A-G. GRCh37 (hg19) VCF-style: chr8-1830808-A-G.
Other names: c.854A>G, p.Lys285Arg (NM_001308152.2); c.971A>G, p.Lys324Arg (NM_001308153.3); short protein forms K285R, K323R, K348R, K324R.
Identifiers: ClinVar variation 1390321 (VCV001390321.6), dbSNP rs113524632, ClinGen allele CA170594346.
Genomic context (GRCh38, chr8:1,882,642, plus strand): 5'-TCGCAGGTGGGTTCTGCCGCCGTCCCGTTCTCACATCTCCCTCTCCGTCGCAGATGCAGA[A>G]GCTCGTGAAGGCCGCGAAGGACGGCACCAAGGACGGGCTGGAGAGGACCAGGGCAGCCGT-3'
Protein context (NP_055444.2, residues 313-333): LRQKHELKMQ[Lys323Arg]LVKAAKDGTK

ClinVar aggregate classification (germline): Uncertain significance (1 of 4 stars; one submission).

Allele frequency attached by ClinVar (database versions not stated): gnomAD exomes 0.00001 and 0.00002; TOPMed 0.00005; gnomAD 0.00007 and 0.00011.

Submission:

Labcorp Genetics (formerly Invitae), Labcorp
Classification: Uncertain significance. Last evaluated: 2022-08-31. Review status: criteria provided, single submitter. Criteria: Invitae Variant Classification Sherloc (09022015). Collection method: clinical testing. Allele origin: germline.
Comment: This sequence change replaces lysine, which is basic and polar, with arginine, which is basic and polar, at codon 323 of the ARHGEF10 protein (p.Lys323Arg). In summary, the available evidence is currently insufficient to determine the role of this variant in disease. Therefore, it has been classified as a Variant of Uncertain Significance. Algorithms developed to predict the effect of missense changes on protein structure and function output the following: SIFT: "Tolerated"; PolyPhen-2: "Benign"; Align-GVGD: "Class C0". The arginine amino acid residue is found in multiple mammalian species, which suggests that this missense change does not adversely affect protein function. ClinVar contains an entry for this variant (Variation ID: 1390321). This variant has not been reported in the literature in individuals affected with ARHGEF10-related conditions. The frequency data for this variant in the population databases is considered unreliable, as metrics indicate poor data quality at this position in the gnomAD database.